The following is an entry in ClinVar:

NM_001148.6(ANK2):c.263C>A (p.Ser88Tyr)

Gene: ANK2 (ankyrin 2; plus strand). Cytogenetic location: 4q25.
Variant type: single nucleotide variant.
Coding change: c.263C>A on transcript NM_001148.6 (MANE Select); coding-DNA position 263, C replaced by A.
Protein change: p.Ser88Tyr; replaces serine 88 with tyrosine.
Molecular consequence: missense variant.
Genome position (GRCh38, 1-based): chr4:113,196,444, C>A. VCF-style: chr4-113196444-C-A. GRCh37 (hg19) VCF-style: chr4-114117600-C-A.
Other names: c.200C>A, p.Ser67Tyr (NM_001127493.3, NM_001354239.2, NM_001354243.2 and 33 more transcripts); c.263C>A, p.Ser88Tyr (NM_001354225.2, NM_001354228.2, NM_001354232.2 and 9 more transcripts); c.308C>A, p.Ser103Tyr (NM_001354230.2, NM_001354231.2, NM_001354237.2 and 5 more transcripts); c.245C>A, p.Ser82Tyr (NM_001354261.2, NM_001386147.1, NM_001386160.1); c.251C>A, p.Ser84Tyr (NM_001354269.3, NM_001386148.2, NM_001386186.2 and 1 more transcripts); c.314C>A, p.Ser105Tyr (NM_001386174.1, NM_001386175.1); short protein forms S103Y, S105Y, S67Y, S82Y, S84Y, S88Y.
Identifiers: ClinVar variation 3369060 (VCV003369060.1).

ClinVar aggregate classification (germline): Uncertain significance (1 of 4 stars; one submission).

Submission:

GeneDx
Classification: Uncertain significance. Last evaluated: 2024-02-13. Review status: criteria provided, single submitter. Criteria: GeneDx Variant Classification Process June 2021. Collection method: clinical testing. Allele origin: germline. Affected: yes.
Comment: Not observed at significant frequency in large population cohorts (gnomAD); In silico analysis supports that this missense variant has a deleterious effect on protein structure/function; Has not been previously published as pathogenic or benign to our knowledge